The following is an entry in ClinVar:

ClinVar aggregate classification (germline): Benign/Likely benign. Review status: criteria provided, multiple submitters, no conflicts (2 of 4 stars). 4 submissions from 4 submitters: Benign (2); Likely benign (1). 1 of the submissions does not count toward it. Last evaluated 2026-01-06.

Conditions:
MMP2-related disorder. Also called: MMP2-related condition.
Multicentric osteolysis nodulosis arthropathy spectrum. Identifiers: Orphanet 3460, Orphanet 371428, MedGen C1850155, MONDO:0018298.

Allele frequency attached by ClinVar (database versions not stated): TOPMed 0.00272; ESP Exome Variant Server 0.00285; 1000 Genomes Project 30x 0.00312; 1000 Genomes Project 0.00339.
gnomAD v4.1: 946 of 1,614,076 alleles (0.059%); highest among the groups gnomAD compares: African/African-American, 0.66%; 3 homozygotes.

Submissions (4):

Labcorp Genetics (formerly Invitae), Labcorp
Classification: Benign. Last evaluated: 2026-01-06. Review status: criteria provided, single submitter. Criteria: Invitae Variant Classification Sherloc (09022015). Collection method: clinical testing. Allele origin: germline.

Blueprint Genetics
Classification: Likely benign. Last evaluated: 2024-11-15. Review status: criteria provided, single submitter. Criteria: ACMG Guidelines, 2015. Collection method: clinical testing. Allele origin: germline.

Illumina Laboratory Services, Illumina
Classification: Benign for Multicentric osteolysis, nodulosis, and arthropathy. Last evaluated: 2017-04-27. Review status: criteria provided, single submitter. Criteria: ICSL Variant Classification Criteria 13 December 2019. Collection method: clinical testing. Allele origin: germline.
Comment: This variant was observed as part of a predisposition screen in an ostensibly healthy population. A literature search was performed for the gene, cDNA change, and amino acid change (where applicable). Publications were found based on this search. The evidence from the literature, in combination with allele frequency data from public databases where available, was sufficient to rule this variant out of causing disease. Therefore, this variant is classified as benign.

PreventionGenetics, part of Exact Sciences
Classification: Benign for MMP2-related condition. Last evaluated: 2019-02-22. Review status: no assertion criteria provided. Collection method: clinical testing. Allele origin: germline. Not counted in ClinVar's aggregate classification.
Comment: This variant is classified as benign based on ACMG/AMP sequence variant interpretation guidelines (Richards et al. 2015 PMID: 25741868, with internal and published modifications).

Literature cited by the submitters: PubMed 23378725 (cited by Illumina Laboratory Services, Illumina).

NM_004530.6(MMP2):c.1499G>A (p.Arg500His)

Gene: MMP2 (matrix metallopeptidase 2; plus strand). Cytogenetic location: 16q12.2.
Variant type: single nucleotide variant.
Coding change: c.1499G>A on transcript NM_004530.6 (MANE Select); coding-DNA position 1499, G replaced by A.
Protein change: p.Arg500His; replaces arginine 500 with histidine.
Molecular consequence: missense variant.
Genome position (GRCh38, 1-based): chr16:55,496,952, G>A. VCF-style: chr16-55496952-G-A. GRCh37 (hg19) VCF-style: chr16-55530864-G-A.
Other names: c.1349G>A, p.Arg450His (NM_001127891.3); c.1271G>A, p.Arg424His (NM_001302508.1, NM_001302509.2, NM_001302510.2); short protein forms R500H, R424H, R450H.
Identifiers: ClinVar variation 736936 (VCV000736936.18), dbSNP rs28730814, ClinGen allele CA8060476.